The following is an entry in ClinVar:

NM_030665.4(RAI1):c.5109T>C (p.Cys1703=)

Gene: RAI1 (retinoic acid induced 1; plus strand). Cytogenetic location: 17p11.2.
Variant type: single nucleotide variant.
Coding change: c.5109T>C on transcript NM_030665.4 (MANE Select); coding-DNA position 5109, T replaced by C.
Protein change: p.Cys1703=; no amino-acid change (cysteine 1703 retained).
Molecular consequence: synonymous variant.
Genome position (GRCh38, 1-based): chr17:17,798,057, T>C. VCF-style: chr17-17798057-T-C. GRCh37 (hg19) VCF-style: chr17-17701371-T-C.
Identifiers: ClinVar variation 3351518 (VCV003351518.1).

ClinVar aggregate classification (germline): Likely benign (0 of 4 stars; one submission).

Conditions:
RAI1-related disorder. Also called: RAI1-related condition.

gnomAD v4.1: 1 of 1,614,088 alleles (0.000062%); highest among the groups gnomAD compares: Non-Finnish European, 0.000085%; no homozygotes.

Submission:

PreventionGenetics, part of Exact Sciences
Classification: Likely benign for RAI1-related condition. Last evaluated: 2020-12-04. Review status: no assertion criteria provided. Collection method: clinical testing. Allele origin: germline.
Comment: This variant is classified as likely benign based on ACMG/AMP sequence variant interpretation guidelines (Richards et al. 2015 PMID: 25741868, with internal and published modifications).